The following is an entry in ClinVar:

ClinVar aggregate classification (germline): Uncertain significance (1 of 4 stars; one submission).

Submission:

Labcorp Genetics (formerly Invitae), Labcorp
Classification: Uncertain significance. Last evaluated: 2023-09-05. Review status: criteria provided, single submitter. Criteria: Invitae Variant Classification Sherloc (09022015). Collection method: clinical testing. Allele origin: germline.
Comment: In summary, the available evidence is currently insufficient to determine the role of this variant in disease. Therefore, it has been classified as a Variant of Uncertain Significance. Advanced modeling of protein sequence and biophysical properties (such as structural, functional, and spatial information, amino acid conservation, physicochemical variation, residue mobility, and thermodynamic stability) performed at Invitae indicates that this missense variant is not expected to disrupt POLE protein function. This variant has not been reported in the literature in individuals affected with POLE-related conditions. This variant is not present in population databases (gnomAD no frequency). This sequence change replaces alanine, which is neutral and non-polar, with threonine, which is neutral and polar, at codon 678 of the POLE protein (p.Ala678Thr).

NM_006231.4(POLE):c.2032G>A (p.Ala678Thr)

Gene: POLE (DNA polymerase epsilon, catalytic subunit; minus strand). Cytogenetic location: 12q24.33.
Variant type: single nucleotide variant.
Coding change: c.2032G>A on transcript NM_006231.4 (MANE Select); coding-DNA position 2032, G replaced by A.
Protein change: p.Ala678Thr; replaces alanine 678 with threonine.
Molecular consequence: missense variant.
Genome position (GRCh38, 1-based): chr12:132,668,497, C>T on the plus strand (G>A on the coding strand, the complement: POLE is on the minus strand). VCF-style: chr12-132668497-C-T. GRCh37 (hg19) VCF-style: chr12-133245083-C-T.
Other names: short protein forms A678T.
Identifiers: ClinVar variation 2835975 (VCV002835975.3), dbSNP rs2135976380, ClinGen allele CA387354457.
Genomic context (GRCh38, chr12:132,668,497, plus strand): 5'-AGGGGGGGAACTTCTCTGACTCCAGCTGGTGCTGGATCCGATGGTATTCGCTGCGACTGG[C>T]TGGCACTGGGAAGGAGGCAATGGGGGCAAGTTCAAAAGGAGGCACAGACACACCGGCTTC-3'
Protein context (NP_006222.2, residues 668-688): AWQWRGEFMP[Ala678Thr]SRSEYHRIQH